The following is an entry in ClinVar:

NM_001276345.2(TNNT2):c.852-23A>G

Gene: TNNT2 (troponin T2, cardiac type; minus strand). Cytogenetic location: 1q32.1.
Variant type: single nucleotide variant.
Coding change: c.852-23A>G on transcript NM_001276345.2 (MANE Select); 23 bases into the intron before coding-DNA position 852, A replaced by G.
Molecular consequence: intron variant.
Genome position (GRCh38, 1-based): chr1:201,359,278, T>C on the plus strand (A>G on the coding strand, the complement: TNNT2 is on the minus strand). VCF-style: chr1-201359278-T-C. GRCh37 (hg19) VCF-style: chr1-201328406-T-C.
Other names: c.804-23A>G (NM_001001432.3); c.813-23A>G (NM_001001431.3); c.822-23A>G (NM_001001430.3, NM_001276347.2); c.723-23A>G (NM_001276346.2); c.843-23A>G (NM_000364.4).
Identifiers: ClinVar variation 1217922 (VCV001217922.9), dbSNP rs371692788, ClinGen allele CA089223.

ClinVar aggregate classification (germline): Likely benign. Review status: criteria provided, multiple submitters, no conflicts (2 of 4 stars). 5 submissions from 3 submitters: Likely benign (5). Last evaluated 2023-04-11.

Conditions:
Dilated cardiomyopathy 1D. Identifiers: Orphanet 154, Orphanet 54260, MedGen C1832243, MONDO:0011095, OMIM 601494.
Cardiomyopathy, familial restrictive, 3. Identifiers: Orphanet 75249, MedGen C2676271, MONDO:0012900, OMIM 612422.
Hypertrophic cardiomyopathy 2. Also called: TNNT2-Related Familial Hypertrophic Cardiomyopathy. Identifiers: MedGen C1861864, MONDO:0007266, OMIM 115195.

Allele frequency attached by ClinVar (database versions not stated): gnomAD exomes 0.00002; TOPMed 0.00007; ESP Exome Variant Server 0.00008; gnomAD 0.00010; ExAC 0.00011; 1000 Genomes Project 30x 0.00062; 1000 Genomes Project 0.00080.
gnomAD v4.1: 54 of 1,608,728 alleles (0.0034%); highest among the groups gnomAD compares: East Asian, 0.056%; no homozygotes.

Submissions (5):

Genome-Nilou Lab
Classification: Likely benign for Dilated cardiomyopathy 1D. Last evaluated: 2023-04-11. Review status: criteria provided, single submitter. Criteria: ACMG Guidelines, 2015. Collection method: clinical testing. Allele origin: germline. Affected: no.

Genome-Nilou Lab
Classification: Likely benign for Cardiomyopathy, familial restrictive, 3. Last evaluated: 2023-04-11. Review status: criteria provided, single submitter. Criteria: ACMG Guidelines, 2015. Collection method: clinical testing. Allele origin: germline. Affected: no.

Genome-Nilou Lab
Classification: Likely benign for Hypertrophic cardiomyopathy 2. Last evaluated: 2023-04-11. Review status: criteria provided, single submitter. Criteria: ACMG Guidelines, 2015. Collection method: clinical testing. Allele origin: germline. Affected: no.

Labcorp Genetics (formerly Invitae), Labcorp
Classification: Likely benign for Cardiomyopathy, familial restrictive, 3; Hypertrophic cardiomyopathy 2; Dilated cardiomyopathy 1D. Last evaluated: 2022-11-08. Review status: criteria provided, single submitter. Criteria: Invitae Variant Classification Sherloc (09022015). Collection method: clinical testing. Allele origin: germline.

GeneDx
Classification: Likely benign. Last evaluated: 2020-08-19. Review status: criteria provided, single submitter. Criteria: GeneDx Variant Classification Process June 2021. Collection method: clinical testing. Allele origin: germline. Affected: yes.
Comment: This variant is associated with the following publications: (PMID: 30297972)